The following is an entry in ClinVar:

NM_058246.4(DNAJB6):c.-43G>T

Gene: DNAJB6 (DnaJ heat shock protein family (Hsp40) member B6; plus strand). Cytogenetic location: 7q36.3.
Variant type: single nucleotide variant.
Coding change: c.-43G>T on transcript NM_058246.4 (MANE Select); 43 bases upstream of the start codon, G replaced by T.
Molecular consequence: 5 prime UTR variant.
Genome position (GRCh38, 1-based): chr7:157,337,128, G>T. VCF-style: chr7-157337128-G-T. GRCh37 (hg19) VCF-style: chr7-157129822-G-T.
Other names: c.-43G>T (NM_001363676.1, NM_005494.3).
Identifiers: ClinVar variation 359450 (VCV000359450.6), dbSNP rs566594165, ClinGen allele CA10623538.
Genomic context (GRCh38, chr7:157,337,128, plus strand): 5'-CAGTCCTGGAGCTGTGAGGAGATTCGGGCCGTCACCCTGCCTCCCCTGCGTCCCGCCACC[G>T]GCCGCTTCTGTCCTCGGTGAGGGTCTGTTCCGAGGGTCGGGGGAGGTCGCCTAGGGCCCC-3'

ClinVar aggregate classification (germline): Benign (1 of 4 stars; one submission).

Conditions:
Autosomal dominant limb-girdle muscular dystrophy type 1D (DNAJB6) (LGMDD1). Also called: MUSCULAR DYSTROPHY, LIMB-GIRDLE, TYPE 1D; MUSCULAR DYSTROPHY, AUTOSOMAL DOMINANT, WITH RIMMED VACUOLES; Autosomal dominant limb-girdle muscular dystrophy type 1D; Muscular dystrophy, limb-girdle, autosomal dominant 1. Identifiers: Orphanet 34516, MedGen C4721885, MONDO:0021018, OMIM 603511.

Allele frequency attached by ClinVar (database versions not stated): TOPMed 0.00057; gnomAD 0.00060 and 0.00062; 1000 Genomes Project 30x 0.00141; 1000 Genomes Project 0.00240.

Submission:

Illumina Laboratory Services, Illumina
Classification: Benign for Autosomal dominant limb-girdle muscular dystrophy type 1D (DNAJB6). Last evaluated: 2018-01-12. Review status: criteria provided, single submitter. Criteria: ICSL Variant Classification Criteria 13 December 2019. Collection method: clinical testing. Allele origin: germline.
Comment: This variant was observed in the ICSL laboratory as part of a predisposition screen in an ostensibly healthy population. It had not been previously curated by ICSL or reported in the Human Gene Mutation Database (HGMD: prior to June 1st, 2018), and was therefore a candidate for classification through an automated scoring system. Utilizing variant allele frequency, disease prevalence and penetrance estimates, and inheritance mode, an automated score was calculated to assess if this variant is too frequent to cause the disease. Based on the score and internal cut-off values, a variant classified as benign is not then subjected to further curation. The score for this variant resulted in a classification of benign for this disease.